The following is an entry in ClinVar:

ClinVar aggregate classification (germline): Uncertain significance (1 of 4 stars; one submission).

Submission:

Labcorp Genetics (formerly Invitae), Labcorp
Classification: Uncertain significance. Last evaluated: 2022-07-19. Review status: criteria provided, single submitter. Criteria: Invitae Variant Classification Sherloc (09022015). Collection method: clinical testing. Allele origin: germline.
Comment: This variant has not been reported in the literature in individuals affected with ADGRV1-related conditions. In summary, the available evidence is currently insufficient to determine the role of this variant in disease. Therefore, it has been classified as a Variant of Uncertain Significance. Algorithms developed to predict the effect of missense changes on protein structure and function are either unavailable or do not agree on the potential impact of this missense change (SIFT: "Tolerated"; PolyPhen-2: "Possibly Damaging"; Align-GVGD: "Class C0"). ClinVar contains an entry for this variant (Variation ID: 1374036). This variant is not present in population databases (gnomAD no frequency). This sequence change replaces glutamine, which is neutral and polar, with histidine, which is basic and polar, at codon 5796 of the ADGRV1 protein (p.Gln5796His).

NM_032119.4(ADGRV1):c.17388G>T (p.Gln5796His)

Gene: ADGRV1 (adhesion G protein-coupled receptor V1; plus strand). Cytogenetic location: 5q14.3.
Variant type: single nucleotide variant.
Coding change: c.17388G>T on transcript NM_032119.4 (MANE Select); coding-DNA position 17388, G replaced by T.
Protein change: p.Gln5796His; replaces glutamine 5796 with histidine.
Molecular consequence: missense variant. On other transcripts: non-coding transcript variant (1).
Genome position (GRCh38, 1-based): chr5:90,853,467, G>T. VCF-style: chr5-90853467-G-T. GRCh37 (hg19) VCF-style: chr5-90149284-G-T.
Other names: short protein forms Q5796H.
Identifiers: ClinVar variation 1374036 (VCV001374036.8), dbSNP rs183208875, ClinGen allele CA360430251.